The following is an entry in ClinVar:

ClinVar aggregate classification (germline): Pathogenic. Review status: criteria provided, multiple submitters, no conflicts (2 of 4 stars). 5 submissions from 5 submitters: Pathogenic (3). 2 of the submissions do not count toward it. Last evaluated 2026-08-28.

Conditions:
PROM1-related disorder. Also called: PROM1-related disorders; PROM1-related condition.
Retinal dystrophy. Also called: Inherited retinal dystrophy. Identifiers: Orphanet 71862, MedGen C0854723, MeSH D058499, MONDO:0019118, HP:0000556.
Retinal disorder. Also called: Retinopathies; Retinal Diseases; Retinopathy; Retinal disorders. Identifiers: MedGen C0035309, MONDO:0005283, HP:0000488.

Allele frequency attached by ClinVar (database versions not stated): gnomAD exomes 0.00003; ExAC 0.00007; ESP Exome Variant Server 0.00017; gnomAD 0.00001; TOPMed 0.00001.
gnomAD v4.1: 54 of 1,596,870 alleles (0.0034%); highest among the groups gnomAD compares: Non-Finnish European, 0.0044%; no homozygotes.

Submissions (5):

North West Genomic Laboratory Hub, Manchester University NHS Foundation Trust
Classification: Pathogenic for Retinal disorders. Last evaluated: 2026-08-28. Review status: criteria provided, single submitter. Criteria: ACGS Best Practice Guidelines for Variant Classification in Rare Disease 2024. Collection method: clinical testing. Allele origin: germline. Affected: yes.
Comment: PM3_Mod PM2_Supp PVS1_VStr

Labcorp Genetics (formerly Invitae), Labcorp
Classification: Pathogenic. Last evaluated: 2025-01-15. Review status: criteria provided, single submitter. Criteria: Invitae Variant Classification Sherloc (09022015). Collection method: clinical testing. Allele origin: germline.
Comment: This sequence change affects an acceptor splice site in intron 13 of the PROM1 gene. It is expected to disrupt RNA splicing. Variants that disrupt the donor or acceptor splice site typically lead to a loss of protein function (PMID: 16199547), and loss-of-function variants in PROM1 are known to be pathogenic (PMID: 17605048, 19718270, 24154662, 25474345). This variant is present in population databases (rs372513650, gnomAD 0.007%). Disruption of this splice site has been observed in individuals with clinical features of autosomal recessive PROM1-related retinal dystrophy (PMID: 28041643). ClinVar contains an entry for this variant (Variation ID: 236527). Algorithms developed to predict the effect of sequence changes on RNA splicing suggest that this variant may disrupt the consensus splice site. For these reasons, this variant has been classified as Pathogenic.

Blueprint Genetics
Classification: Pathogenic for PROM1-related disorders. Last evaluated: 2022-11-06. Review status: criteria provided, single submitter. Criteria: ACMG Guidelines, 2015. Collection method: clinical testing. Allele origin: germline. Affected: yes. Observed: 5 variant alleles.

NIHR Bioresource Rare Diseases, University of Cambridge
Classification: Pathogenic for Retinal dystrophy. Last evaluated: 2015-01-01. Review status: no assertion criteria provided. Collection method: research. Allele origin: unknown. Affected: yes. Observed: 1 variant allele. Not counted in ClinVar's aggregate classification.

Centre for Genomic Medicine, Manchester, Central Manchester University Hospitals
Classification: Uncertain significance for Retinal dystrophy. Review status: no assertion criteria provided. Collection method: clinical testing. Allele origin: germline. Affected: yes. Not counted in ClinVar's aggregate classification.

Literature cited by the submitters: PubMed 16199547 (cited by Labcorp Genetics (formerly Invitae), Labcorp); PubMed 17605048 (cited by Labcorp Genetics (formerly Invitae), Labcorp); PubMed 19718270 (cited by Labcorp Genetics (formerly Invitae), Labcorp); PubMed 24154662 (cited by Labcorp Genetics (formerly Invitae), Labcorp); PubMed 25474345 (cited by Labcorp Genetics (formerly Invitae), Labcorp); PubMed 28041643 (cited by Labcorp Genetics (formerly Invitae), Labcorp and NIHR Bioresource Rare Diseases, University of Cambridge); PubMed 26103963 (cited by NIHR Bioresource Rare Diseases, University of Cambridge).

NM_006017.3(PROM1):c.1579-1G>C

Gene: PROM1 (prominin 1; minus strand). Cytogenetic location: 4p15.32.
Variant type: single nucleotide variant.
Coding change: c.1579-1G>C on transcript NM_006017.3 (MANE Select); the canonical splice acceptor site of the intron before coding-DNA position 1579, G replaced by C.
Molecular consequence: splice acceptor variant.
Genome position (GRCh38, 1-based): chr4:15,998,489, C>G on the plus strand (G>C on the coding strand, the complement: PROM1 is on the minus strand). VCF-style: chr4-15998489-C-G. GRCh37 (hg19) VCF-style: chr4-16000112-C-G.
Other names: c.1552-1G>C (NM_001145848.2, NM_001145852.2, NM_001145847.2 and 4 more transcripts); c.1579-1G>C (NM_001145850.2, NM_001145849.2).
Identifiers: ClinVar variation 236527 (VCV000236527.14), dbSNP rs372513650, ClinGen allele CA2866714.
Genomic context (GRCh38, chr4:15,998,489, plus strand): 5'-TAGCTTCCCAGAGAGATAGTATTCCCAGTCTTCATTTAGTAAGTAGGGTGTATCCAAAAC[C>G]TAGAACACATTAGGAAGTATTTTCGAAAAATCAGTTTTACACTAACATACATACTAATAT-3'